The following is an entry in ClinVar:

ClinVar aggregate classification (germline): Conflicting classifications of pathogenicity. Review status: criteria provided, conflicting classifications (1 of 4 stars). 8 submissions from 8 submitters: Uncertain significance (1); Benign (2); Likely benign (4). 1 of the submissions does not count toward it. Last evaluated 2025-12-27.

Conditions:
RAB3GAP1-related disorder. Also called: RAB3GAP1-related condition; RAB3GAP1-related disorders.
Inborn genetic diseases. Identifiers: MedGen C0950123, MeSH D030342.

Allele frequency attached by ClinVar (database versions not stated): gnomAD exomes 0.00081 and 0.00017; gnomAD 0.00007 and 0.00008; TOPMed 0.00042; ExAC 0.00076.
gnomAD v4.1: 244 of 1,611,872 alleles (0.015%); highest among the groups gnomAD compares: Admixed American, 0.4%; 3 homozygotes.

Submissions (8):

Labcorp Genetics (formerly Invitae), Labcorp
Classification: Likely benign. Last evaluated: 2025-12-27. Review status: criteria provided, single submitter. Criteria: Invitae Variant Classification Sherloc (09022015). Collection method: clinical testing. Allele origin: germline.

Ambry Genetics
Classification: Likely benign for Inborn genetic diseases. Last evaluated: 2025-11-08. Review status: criteria provided, single submitter. Criteria: Ambry Variant Classification Scheme 2023. Collection method: clinical testing. Allele origin: germline.

CeGaT Center for Human Genetics Tuebingen
Classification: Benign. Last evaluated: 2025-11-01. Review status: criteria provided, single submitter. Criteria: CeGaT Center For Human Genetics Tuebingen Variant Classification Criteria Version 2. Collection method: clinical testing. Allele origin: germline. Affected: yes. Observed: 1 variant allele.
Comment: RAB3GAP1: BS1, BS2

Mayo Clinic Laboratories, Mayo Clinic
Classification: Likely benign. Last evaluated: 2025-09-23. Review status: criteria provided, single submitter. Criteria: ACMG Guidelines, 2015. Collection method: clinical testing. Allele origin: germline. Observed: 1 variant allele.
Comment: BS1, BP4

Athena Diagnostics
Classification: Benign. Last evaluated: 2024-10-11. Review status: criteria provided, single submitter. Criteria: Athena Diagnostics Criteria. Collection method: clinical testing. Allele origin: unknown.

GeneDx
Classification: Likely benign. Last evaluated: 2020-08-04. Review status: criteria provided, single submitter. Criteria: GeneDx Variant Classification Process June 2021. Collection method: clinical testing. Allele origin: germline. Affected: yes.

Genetic Services Laboratory, University of Chicago
Classification: Uncertain significance. Last evaluated: 2015-12-16. Review status: criteria provided, single submitter. Criteria: ACMG Guidelines, 2015. Collection method: clinical testing. Allele origin: germline. Affected: no.

PreventionGenetics, part of Exact Sciences
Classification: Likely benign for RAB3GAP1-related condition. Last evaluated: 2023-10-12. Review status: no assertion criteria provided. Collection method: clinical testing. Allele origin: germline. Not counted in ClinVar's aggregate classification.
Comment: This variant is classified as likely benign based on ACMG/AMP sequence variant interpretation guidelines (Richards et al. 2015 PMID: 25741868, with internal and published modifications).

NM_012233.3(RAB3GAP1):c.724T>C (p.Tyr242His)

Gene: RAB3GAP1 (RAB3 GTPase activating protein catalytic subunit 1; plus strand). Cytogenetic location: 2q21.3.
Variant type: single nucleotide variant.
Coding change: c.724T>C on transcript NM_012233.3 (MANE Select); coding-DNA position 724, T replaced by C.
Protein change: p.Tyr242His; replaces tyrosine 242 with histidine.
Molecular consequence: missense variant.
Genome position (GRCh38, 1-based): chr2:135,120,894, T>C. VCF-style: chr2-135120894-T-C. GRCh37 (hg19) VCF-style: chr2-135878464-T-C.
Other names: p.Tyr242His; c.724T>C, p.Tyr242His (NM_001172435.2); c.724T>C (NM_001172435.1); short protein forms Y242H.
Identifiers: ClinVar variation 378451 (VCV000378451.26), dbSNP rs577915245, ClinGen allele CA1884610.